The following is an entry in ClinVar:

NM_002691.4(POLD1):c.1867C>T (p.Arg623Trp)

Gene: POLD1 (DNA polymerase delta 1, catalytic subunit; plus strand). Cytogenetic location: 19q13.33.
Variant type: single nucleotide variant.
Coding change: c.1867C>T on transcript NM_002691.4 (MANE Select); coding-DNA position 1867, C replaced by T.
Protein change: p.Arg623Trp; replaces arginine 623 with tryptophan.
Molecular consequence: missense variant. On other transcripts: non-coding transcript variant (1).
Genome position (GRCh38, 1-based): chr19:50,408,876, C>T. VCF-style: chr19-50408876-C-T. GRCh37 (hg19) VCF-style: chr19-50912133-C-T.
Other names: c.1867C>T, p.Arg623Trp (NM_001256849.1); c.1945C>T, p.Arg649Trp (NM_001308632.1); c.1867C>T (NM_002691.2); short protein forms R623W, R649W.
Identifiers: ClinVar variation 469225 (VCV000469225.21), dbSNP rs768773535, ClinGen allele CA9596296.
Genomic context (GRCh38, chr19:50,408,876, plus strand): 5'-TTCTCCTCGCTGTACCCGTCCATCATGATGGCCCACAACCTGTGTTACACCACGCTCCTT[C>T]GGCCCGGGACTGCACAGAAACTGGGGTATAGTGCCCAATTCAGCATGTGTCCCCCGAGGC-3'
Protein context (NP_002682.2, residues 613-633): AHNLCYTTLL[Arg623Trp]PGTAQKLGLT

ClinVar aggregate classification (germline): Conflicting classifications of pathogenicity. Review status: criteria provided, conflicting classifications (1 of 4 stars). 6 submissions from 6 submitters: Uncertain significance (5); Likely benign (1). Last evaluated 2025-10-28.

Conditions:
Mandibular hypoplasia-deafness-progeroid syndrome. Also called: Mandibular hypoplasia, deafness, progeroid features, and lipodystrophy syndrome. Identifiers: Orphanet 363649, MedGen C3715192, MONDO:0014157, OMIM 615381.
POLD1-related polyposis and colorectal cancer syndrome (CRCS10). Also called: Colorectal cancer 10; COLORECTAL CANCER, SUSCEPTIBILITY TO, ON CHROMOSOME 19q; Colorectal cancer, susceptibility to, 10. Identifiers: Orphanet 220460, MedGen C2675481, MONDO:0012953, OMIM 612591.
Hereditary cancer-predisposing syndrome. Also called: Neoplastic Syndromes, Hereditary; Hereditary neoplastic syndrome; Tumor predisposition; Hereditary Cancer Syndrome. Identifiers: Orphanet 140162, MedGen C0027672, MeSH D009386, MONDO:0015356.

Allele frequency attached by ClinVar (database versions not stated): ExAC 0.00001; gnomAD 0.00001; gnomAD exomes 0.00001 and 0.00002; TOPMed 0.00002.
gnomAD v4.1: 19 of 1,612,798 alleles (0.0012%); highest among the groups gnomAD compares: Admixed American, 0.0067%; no homozygotes.

Submissions (6):

Labcorp Genetics (formerly Invitae), Labcorp
Classification: Uncertain significance for POLD1-related polyposis and colorectal cancer syndrome. Last evaluated: 2025-10-28. Review status: criteria provided, single submitter. Criteria: Invitae Variant Classification Sherloc (09022015). Collection method: clinical testing. Allele origin: germline.
Comment: This sequence change replaces arginine, which is basic and polar, with tryptophan, which is neutral and slightly polar, at codon 623 of the POLD1 protein (p.Arg623Trp). This variant is present in population databases (rs768773535, gnomAD 0.006%). This variant has not been reported in the literature in individuals affected with POLD1-related conditions. ClinVar contains an entry for this variant (Variation ID: 469225). Invitae Evidence Modeling of protein sequence and biophysical properties (such as structural, functional, and spatial information, amino acid conservation, physicochemical variation, residue mobility, and thermodynamic stability) indicates that this missense variant is not expected to disrupt POLD1 protein function with a negative predictive value of 80%. In summary, the available evidence is currently insufficient to determine the role of this variant in disease. Therefore, it has been classified as a Variant of Uncertain Significance.

GeneDx
Classification: Uncertain significance. Last evaluated: 2025-04-30. Review status: criteria provided, single submitter. Criteria: GeneDx Variant Classification Process June 2021. Collection method: clinical testing. Allele origin: germline. Affected: yes.
Comment: Not observed at significant frequency in large population cohorts (gnomAD); In silico analysis supports that this missense variant has a deleterious effect on protein structure/function; Has not been previously published as pathogenic or benign to our knowledge; This variant is associated with the following publications: (PMID: 26173643, 29056344)

Ambry Genetics
Classification: Likely benign for Hereditary cancer-predisposing syndrome. Last evaluated: 2025-03-24. Review status: criteria provided, single submitter. Criteria: Ambry Variant Classification Scheme 2023. Collection method: clinical testing. Allele origin: germline.

Center for Genomic Medicine, Rigshospitalet, Copenhagen University Hospital
Classification: Uncertain significance. Last evaluated: 2025-03-04. Review status: criteria provided, single submitter. Criteria: ACMG Guidelines, 2015. Collection method: clinical testing. Allele origin: germline.

Quest Diagnostics Nichols Institute San Juan Capistrano
Classification: Uncertain significance. Last evaluated: 2019-12-27. Review status: criteria provided, single submitter. Criteria: Quest Diagnostics criteria. Collection method: clinical testing. Allele origin: unknown.

Fulgent Genetics
Classification: Uncertain significance for POLD1-related polyposis and colorectal cancer syndrome; Mandibular hypoplasia-deafness-progeroid syndrome. Last evaluated: 2018-10-31. Review status: criteria provided, single submitter. Criteria: ACMG Guidelines, 2015. Collection method: clinical testing. Allele origin: unknown.